The following is an entry in ClinVar:

ClinVar aggregate classification (germline): Uncertain significance (1 of 4 stars; one submission).

Conditions:
Hermansky-Pudlak syndrome 9 (HPS9). Identifiers: Orphanet 280663, Orphanet 79430, MedGen C3280026, MONDO:0013606, OMIM 614171.

Submission:

Labcorp Genetics (formerly Invitae), Labcorp
Classification: Uncertain significance for Hermansky-Pudlak syndrome 9. Last evaluated: 2021-04-16. Review status: criteria provided, single submitter. Criteria: Invitae Variant Classification Sherloc (09022015). Collection method: clinical testing. Allele origin: germline.
Comment: This variant is not present in population databases (ExAC no frequency). This variant has not been reported in the literature in individuals with BLOC1S6-related conditions. Algorithms developed to predict the effect of missense changes on protein structure and function (SIFT, PolyPhen-2, Align-GVGD) all suggest that this variant is likely to be tolerated, but these predictions have not been confirmed by published functional studies and their clinical significance is uncertain. In summary, the available evidence is currently insufficient to determine the role of this variant in disease. Therefore, it has been classified as a Variant of Uncertain Significance. This sequence change replaces glutamine with arginine at codon 51 of the BLOC1S6 protein (p.Gln51Arg). The glutamine residue is moderately conserved and there is a small physicochemical difference between glutamine and arginine.

NM_012388.4(BLOC1S6):c.152A>G (p.Gln51Arg)

Gene: BLOC1S6 (biogenesis of lysosomal organelles complex 1 subunit 6; plus strand). Cytogenetic location: 15q21.1.
Variant type: single nucleotide variant.
Coding change: c.152A>G on transcript NM_012388.4 (MANE Select); coding-DNA position 152, A replaced by G.
Protein change: p.Gln51Arg; replaces glutamine 51 with arginine.
Molecular consequence: missense variant. On other transcripts: non-coding transcript variant (5).
Genome position (GRCh38, 1-based): chr15:45,592,204, A>G. VCF-style: chr15-45592204-A-G. GRCh37 (hg19) VCF-style: chr15-45884402-A-G.
Other names: c.167A>G, p.Gln56Arg (NM_001311256.1, NM_001311255.1); short protein forms Q51R, Q56R.
Identifiers: ClinVar variation 1345909 (VCV001345909.8), dbSNP rs1893913150, ClinGen allele CA392298808.
Genomic context (GRCh38, chr15:45,592,204, plus strand): 5'-ACACTTCTCCAGATGAAGGGTTAATAGAGGACTTGACTATAGAAGACAAAGCAGTGGAGC[A>G]ACTGGCAGAAGGATTGCTTTCTCATTATTTGCCAGATCTGCAGAGATCAAAACAAGCCCT-3'
Protein context (NP_036520.1, residues 41-61): DLTIEDKAVE[Gln51Arg]LAEGLLSHYL